The following is an entry in ClinVar:

NM_014159.7(SETD2):c.3400C>G (p.His1134Asp)

Gene: SETD2 (SET domain containing 2, histone lysine methyltransferase; minus strand). Cytogenetic location: 3p21.31.
Variant type: single nucleotide variant.
Coding change: c.3400C>G on transcript NM_014159.7 (MANE Select); coding-DNA position 3400, C replaced by G.
Protein change: p.His1134Asp; replaces histidine 1134 with aspartic acid.
Molecular consequence: missense variant. On other transcripts: non-coding transcript variant (1).
Genome position (GRCh38, 1-based): chr3:47,121,236, G>C on the plus strand (C>G on the coding strand, the complement: SETD2 is on the minus strand). VCF-style: chr3-47121236-G-C. GRCh37 (hg19) VCF-style: chr3-47162726-G-C.
Other names: c.3268C>G, p.His1090Asp (NM_001349370.3); short protein forms H1090D, H1134D.
Identifiers: ClinVar variation 1061547 (VCV001061547.5), dbSNP rs1036217503, ClinGen allele CA73809057.

ClinVar aggregate classification (germline): Uncertain significance (1 of 4 stars; one submission).

Conditions:
Luscan-Lumish syndrome. Identifiers: Orphanet 597738, MedGen C4085873, MONDO:0014791, OMIM 616831.

Allele frequency attached by ClinVar (database versions not stated): gnomAD 0.00015 and 0.00016; TOPMed 0.00021.
gnomAD v4.1: 41 of 1,613,870 alleles (0.0025%); highest among the groups gnomAD compares: Admixed American, 0.06%; no homozygotes.

Submission:

Labcorp Genetics (formerly Invitae), Labcorp
Classification: Uncertain significance for Luscan-Lumish syndrome. Last evaluated: 2021-02-25. Review status: criteria provided, single submitter. Criteria: Invitae Variant Classification Sherloc (09022015). Collection method: clinical testing. Allele origin: germline.
Comment: This variant has not been reported in the literature in individuals with SETD2-related conditions. Algorithms developed to predict the effect of missense changes on protein structure and function (SIFT, PolyPhen-2, Align-GVGD) all suggest that this variant is likely to be tolerated, but these predictions have not been confirmed by published functional studies and their clinical significance is uncertain. In summary, the available evidence is currently insufficient to determine the role of this variant in disease. Therefore, it has been classified as a Variant of Uncertain Significance. This variant is not present in population databases (ExAC no frequency). This sequence change replaces histidine with aspartic acid at codon 1134 of the SETD2 protein (p.His1134Asp). The histidine residue is moderately conserved and there is a moderate physicochemical difference between histidine and aspartic acid.